The following is an entry in ClinVar:

NM_170707.4(LMNA):c.1489-9C>T

Gene: LMNA (lamin A/C; plus strand). Cytogenetic location: 1q22.
Variant type: single nucleotide variant.
Coding change: c.1489-9C>T on transcript NM_170707.4 (MANE Select); 9 bases into the intron before coding-DNA position 1489, C replaced by T.
Molecular consequence: intron variant.
Genome position (GRCh38, 1-based): chr1:156,137,104, C>T. VCF-style: chr1-156137104-C-T. GRCh37 (hg19) VCF-style: chr1-156106895-C-T.
Other names: c.1489-9C>T (NM_001282625.2, NM_001282626.2, NM_170708.4 and 2 more transcripts); c.1153-9C>T (NM_001257374.3); c.1246-9C>T (NM_001282624.2).
Identifiers: ClinVar variation 760297 (VCV000760297.14), dbSNP rs374324602, ClinGen allele CA050474.

ClinVar aggregate classification (germline): Likely benign. Review status: criteria provided, multiple submitters, no conflicts (2 of 4 stars). 4 submissions from 4 submitters: Likely benign (4). Last evaluated 2025-04-02.

Conditions:
Cardiomyopathy (CMYO). Also called: Cardiomyopathies. Identifiers: Orphanet 167848, MedGen C0878544, MONDO:0004994, HP:0001638. Inheritance: Various modes of inheritance.
Cardiovascular phenotype. Identifiers: MedGen CN230736.
Charcot-Marie-Tooth disease type 2. Also called: Charcot-Marie-Tooth type 2. Identifiers: Orphanet 64746, MedGen C0270914, MONDO:0018993.

Allele frequency attached by ClinVar (database versions not stated): TOPMed 0.00003; gnomAD 0.00003; gnomAD exomes below 0.00001; ExAC 0.00001; ESP Exome Variant Server 0.00008.
gnomAD v4.1: 8 of 1,613,966 alleles (0.0005%); highest among the groups gnomAD compares: African/African-American, 0.008%; no homozygotes.

Submissions (4):

Ambry Genetics
Classification: Likely benign for Cardiovascular phenotype. Last evaluated: 2025-04-02. Review status: criteria provided, single submitter. Criteria: Ambry Variant Classification Scheme 2023. Collection method: clinical testing. Allele origin: germline.

Labcorp Genetics (formerly Invitae), Labcorp
Classification: Likely benign for Charcot-Marie-Tooth disease type 2. Last evaluated: 2023-01-30. Review status: criteria provided, single submitter. Criteria: Invitae Variant Classification Sherloc (09022015). Collection method: clinical testing. Allele origin: germline.

Color Diagnostics, LLC DBA Color Health
Classification: Likely benign for Cardiomyopathy. Last evaluated: 2022-07-25. Review status: criteria provided, single submitter. Criteria: ACMG Guidelines, 2015. Collection method: clinical testing. Allele origin: germline.

GeneDx
Classification: Likely benign. Last evaluated: 2020-03-13. Review status: criteria provided, single submitter. Criteria: GeneDx Variant Classification Process June 2021. Collection method: clinical testing. Allele origin: germline. Affected: yes.
Comment: See Variant Classification Assertion Criteria.